The following is an entry in ClinVar:

ClinVar aggregate classification (germline): Benign. Review status: criteria provided, multiple submitters, no conflicts (2 of 4 stars). 17 submissions from 15 submitters: Benign (13). 4 of the submissions do not count toward it. Last evaluated 2026-02-04.

Conditions:
Diabetes mellitus. Also called: Diabetes mellitus (disease). Identifiers: MedGen C0011849, MONDO:0005015, HP:0000819.
WFS1-Related Spectrum Disorders.
Sensorineural hearing loss disorder. Also called: Sensorineural hearing impairment; Sensorineural Deafness; Sensorineural hearing loss. Identifiers: MedGen C0018784, MeSH D006319, MONDO:0020678, HP:0000407.
Autosomal dominant nonsyndromic hearing loss 6 (LFSNHL). Also called: DEAFNESS, AUTOSOMAL DOMINANT 6; DEAFNESS, AUTOSOMAL DOMINANT 14; DEAFNESS, AUTOSOMAL DOMINANT 38; Autosomal dominant nonsyndromic deafness 6. Identifiers: Orphanet 90635, MedGen C1833021, MONDO:0010963, OMIM 600965.

Allele frequency attached by ClinVar (database versions not stated): ESP Exome Variant Server 0.56589; gnomAD 0.57941 and 0.58808; TOPMed 0.59309; 1000 Genomes Project 30x 0.65131; 1000 Genomes Project 0.65315.
gnomAD v4.1: 972,031 of 1,608,966 alleles (60%); highest among the groups gnomAD compares: East Asian, 95%; 298,167 homozygotes.

Submissions (17):

Labcorp Genetics (formerly Invitae), Labcorp
Classification: Benign. Last evaluated: 2026-02-04. Review status: criteria provided, single submitter. Criteria: Invitae Variant Classification Sherloc (09022015). Collection method: clinical testing. Allele origin: germline.

ARUP Laboratories, Molecular Genetics and Genomics, ARUP Laboratories
Classification: Benign. Last evaluated: 2025-07-30. Review status: criteria provided, single submitter. Criteria: ARUP Molecular Germline Variant Investigation Process 2024. Collection method: clinical testing. Allele origin: germline.

Blueprint Genetics
Classification: Benign. Last evaluated: 2024-11-27. Review status: criteria provided, single submitter. Criteria: ACMG Guidelines, 2015. Collection method: clinical testing. Allele origin: germline.

Mayo Clinic Laboratories, Mayo Clinic
Classification: Benign. Last evaluated: 2023-01-03. Review status: criteria provided, single submitter. Criteria: ACMG Guidelines, 2015. Collection method: clinical testing. Allele origin: germline. Observed: 538 variant alleles.
Comment: BA1

Illumina Laboratory Services, Illumina
Classification: Benign for WFS1-Related Spectrum Disorders. Last evaluated: 2017-04-27. Review status: criteria provided, single submitter. Criteria: ICSL Variant Classification Criteria 13 December 2019. Collection method: clinical testing. Allele origin: germline.
Comment: This variant was observed as part of a predisposition screen in an ostensibly healthy population. A literature search was performed for the gene, cDNA change, and amino acid change (where applicable). No publications were found based on this search. Allele frequency data from public databases was too high to be consistent with this variant causing disease. Therefore, this variant is classified as benign.

Illumina Laboratory Services, Illumina
Classification: Benign for Autosomal dominant nonsyndromic hearing loss 6. Last evaluated: 2017-04-27. Review status: criteria provided, single submitter. Criteria: ICSL Variant Classification Criteria 13 December 2019. Collection method: clinical testing. Allele origin: germline.
Comment: the same text as in the submission from Illumina Laboratory Services, Illumina above.

GeneDx
Classification: Benign. Last evaluated: 2015-03-03. Review status: criteria provided, single submitter. Criteria: GeneDx Variant Classification Process June 2021. Collection method: clinical testing. Allele origin: germline. Affected: yes.
Comment: This variant is associated with the following publications: (PMID: 12107816)

Eurofins Ntd Llc (ga)
Classification: Benign. Last evaluated: 2013-07-30. Review status: criteria provided, single submitter. Criteria: EGL Classification Definitions 2015. Collection method: clinical testing. Allele origin: germline. Observed: 43 variant alleles, 19 heterozygotes, 24 homozygotes.

Laboratory for Molecular Medicine, Mass General Brigham Personalized Medicine
Classification: Benign. Last evaluated: 2012-02-28. Review status: criteria provided, single submitter. Criteria: LMM Criteria. Collection method: clinical testing. Allele origin: germline. Observed: 1,356 variant alleles.

Breakthrough Genomics
Classification: Benign. Review status: criteria provided, single submitter. Criteria: ACMG Guidelines, 2015. Collection method: not provided. Allele origin: germline. Inheritance: Autosomal recessive inheritance. Affected: yes.

Clinical Genomics, Uppaluri K&H Personalized Medicine Clinic
Classification: Benign for Diabetes mellitus. Review status: criteria provided, single submitter. Criteria: K & H Uppaluri Personalized Medicine Clinic Variant Classification & Assertion Criteria_Updated V.1. Collection method: research. Allele origin: unknown. Inheritance: Autosomal dominant inheritance.
Comment: Potent mutations of WFS1 gene are associated with Wolfram's syndrome, an autosomal recessive condition, which cause diabetes mellitus, diabetes insipidus, deafness and optic atrophy. rs1046314 is seen to be associated with Diabetes Mellitus.

Clinical Genomics, Uppaluri K&H Personalized Medicine Clinic
Classification: Benign for Sensorineural hearing loss disorder. Review status: criteria provided, single submitter. Criteria: K & H Uppaluri Personalized Medicine Clinic Variant Classification & Assertion Criteria_Updated V.1. Collection method: research. Allele origin: unknown. Inheritance: Autosomal dominant inheritance.
Comment: Potent mutations of WFS1 gene are associated with Wolfram's syndrome, an autosomal recessive condition, which cause diabetes mellitus, diabetes insipidus, deafness and optic atrophy. Prevalence of rs1046314 is seen with sensoneural deafness.

PreventionGenetics, part of Exact Sciences
Classification: Benign. Review status: criteria provided, single submitter. Criteria: ACMG Guidelines, 2015. Collection method: clinical testing. Allele origin: germline.

Clinical Genetics DNA and cytogenetics Diagnostics Lab, Erasmus MC, Erasmus Medical Center
Classification: Benign. Review status: no assertion criteria provided. Collection method: clinical testing. Allele origin: germline. Affected: yes. Study: VKGL Data-share Consensus. Not counted in ClinVar's aggregate classification.

Diagnostic Laboratory, Department of Genetics, University Medical Center Groningen
Classification: Benign. Review status: no assertion criteria provided. Collection method: clinical testing. Allele origin: germline. Affected: yes. Study: VKGL Data-share Consensus. Not counted in ClinVar's aggregate classification.

Genetic Services Laboratory, University of Chicago
Classification: Likely benign for AllHighlyPenetrant. Review status: no assertion criteria provided. Collection method: clinical testing. Allele origin: germline. Inheritance: Autosomal recessive inheritance. Not counted in ClinVar's aggregate classification.
Comment: Likely benign based on allele frequency in 1000 Genomes Project or ESP global frequency and its presence in a patient with a rare or unrelated disease phenotype. NOT Sanger confirmed.

Joint Genome Diagnostic Labs from Nijmegen and Maastricht, Radboudumc and MUMC+
Classification: Benign. Review status: no assertion criteria provided. Collection method: clinical testing. Allele origin: germline. Affected: yes. Study: VKGL Data-share Consensus. Not counted in ClinVar's aggregate classification.

Literature cited by the submitters: PubMed 22238590 (cited by Clinical Genomics, Uppaluri K&H Personalized Medicine Clinic); PubMed 12107816 (cited by Clinical Genomics, Uppaluri K&H Personalized Medicine Clinic).

NM_006005.3(WFS1):c.2433G>A (p.Lys811=)

Gene: WFS1 (wolframin ER transmembrane glycoprotein; plus strand). Cytogenetic location: 4p16.1.
Variant type: single nucleotide variant.
Coding change: c.2433G>A on transcript NM_006005.3 (MANE Select); coding-DNA position 2433, G replaced by A.
Protein change: p.Lys811=; no amino-acid change (lysine 811 retained).
Molecular consequence: synonymous variant.
Genome position (GRCh38, 1-based): chr4:6,302,228, G>A. VCF-style: chr4-6302228-G-A. GRCh37 (hg19) VCF-style: chr4-6303955-G-A.
Other names: p.Lys811=; c.2433G>A, p.Lys811= (NM_001145853.1).
Identifiers: ClinVar variation 45455 (VCV000045455.49), dbSNP rs1046314, ClinGen allele CA136354.
Genomic context (GRCh38, chr4:6,302,228, plus strand): 5'-CAGCCGCGAGGAGGACGACGTCACCAAGGACATCGTGCTGCGGGCCAGCAGCGAGTTCAA[G>A]AGCGTGCTGCTCAGCCTGCGCCAGGGCAGCCTCATCGAGTTCAGCACCATCCTGGAGGGC-3'
Protein context (NP_005996.2, residues 801-821): DIVLRASSEF[Lys811=]SVLLSLRQGS